The following is an entry in ClinVar:

ClinVar aggregate classification (germline): Uncertain significance. Review status: criteria provided, single submitter (1 of 4 stars). 2 submissions from 2 submitters: Uncertain significance (1). 1 of the submissions does not count toward it. Last evaluated 2021-12-07.

Conditions:
Usher syndrome type 2A. Also called: USHER SYNDROME, TYPE IIA; RETINAL DISEASE IN USHER SYNDROME TYPE IIA, MODIFIER OF. Identifiers: Orphanet 231178, Orphanet 886, MedGen C1848634, MONDO:0010169, OMIM 276901.

Allele frequency attached by ClinVar (database versions not stated): gnomAD exomes 0.00001; gnomAD 0.00002; TOPMed 0.00002.
gnomAD v4.1: 22 of 1,613,466 alleles (0.0014%); highest among the groups gnomAD compares: Non-Finnish European, 0.0018%; no homozygotes.

Submissions (2):

Labcorp Genetics (formerly Invitae), Labcorp
Classification: Uncertain significance. Last evaluated: 2021-12-07. Review status: criteria provided, single submitter. Criteria: Invitae Variant Classification Sherloc (09022015). Collection method: clinical testing. Allele origin: germline.
Comment: This sequence change replaces valine, which is neutral and non-polar, with glycine, which is neutral and non-polar, at codon 3382 of the USH2A protein (p.Val3382Gly). This variant is not present in population databases (gnomAD no frequency). This variant has not been reported in the literature in individuals affected with USH2A-related conditions. ClinVar contains an entry for this variant (Variation ID: 1026856). Algorithms developed to predict the effect of missense changes on protein structure and function (SIFT, PolyPhen-2, Align-GVGD) all suggest that this variant is likely to be disruptive. In summary, the available evidence is currently insufficient to determine the role of this variant in disease. Therefore, it has been classified as a Variant of Uncertain Significance.

Natera, Inc.
Classification: Uncertain significance for Usher syndrome type 2A. Last evaluated: 2020-06-02. Review status: no assertion criteria provided. Collection method: clinical testing. Allele origin: germline. Not counted in ClinVar's aggregate classification.

NM_206933.4(USH2A):c.10145T>G (p.Val3382Gly)

Gene: USH2A (usherin; minus strand). Cytogenetic location: 1q41.
Variant type: single nucleotide variant.
Coding change: c.10145T>G on transcript NM_206933.4 (MANE Select); coding-DNA position 10145, T replaced by G.
Protein change: p.Val3382Gly; replaces valine 3382 with glycine.
Molecular consequence: missense variant.
Genome position (GRCh38, 1-based): chr1:215,790,096, A>C on the plus strand (T>G on the coding strand, the complement: USH2A is on the minus strand). VCF-style: chr1-215790096-A-C. GRCh37 (hg19) VCF-style: chr1-215963438-A-C.
Other names: short protein forms V3382G.
Identifiers: ClinVar variation 1026856 (VCV001026856.5), dbSNP rs1198689866, ClinGen allele CA344843430.